The following is an entry in ClinVar:

ClinVar aggregate classification (germline): Pathogenic (1 of 4 stars; one submission).

Conditions:
Baller-Gerold syndrome (BGS). Also called: CRANIOSYNOSTOSIS WITH RADIAL DEFECTS. Identifiers: Orphanet 1225, MedGen C0265308, MONDO:0009039, OMIM 218600.

Submission:

Labcorp Genetics (formerly Invitae), Labcorp
Classification: Pathogenic for Baller-Gerold syndrome. Last evaluated: 2021-04-23. Review status: criteria provided, single submitter. Criteria: Invitae Variant Classification Sherloc (09022015). Collection method: clinical testing. Allele origin: germline.
Comment: This variant has not been reported in the literature in individuals with RECQL4-related conditions. For these reasons, this variant has been classified as Pathogenic. This variant is not present in population databases (ExAC no frequency). This sequence change creates a premature translational stop signal (p.Pro80Alafs*57) in the RECQL4 gene. It is expected to result in an absent or disrupted protein product. Loss-of-function variants in RECQL4 are known to be pathogenic (PMID: 12734318, 12952869).

Literature cited by the submitters: PubMed 12734318; PubMed 12952869.

NM_004260.4(RECQL4):c.237dup (p.Pro80fs)

Gene: RECQL4 (RecQ like helicase 4; minus strand). Cytogenetic location: 8q24.3.
Variant type: Duplication.
Coding change: c.237dup on transcript NM_004260.4 (MANE Select); coding-DNA position 237, one base duplicated (G; older notation c.237dupG).
Protein change: p.Pro80fs; shifts the reading frame from proline 80.
Molecular consequence: frameshift variant.
Genome position (GRCh38, 1-based): chr8:144,517,167, C duplicated on the plus strand (G on the coding strand, the reverse complement: RECQL4 is on the minus strand); the first of 5 consecutive C bases (chr8:144,517,167-144,517,171); duplicating any one gives the same sequence. VCF-style (leftmost placement, unchanged base first): chr8-144517166-G-GC. GRCh37 (hg19) VCF-style: chr8-145742550-G-GC.
Other names: short protein forms P80fs.
Identifiers: ClinVar variation 1398176 (VCV001398176.6), dbSNP rs2130736361, ClinGen allele CA2573142946.